The following is an entry in ClinVar:

ClinVar aggregate classification (germline): Uncertain significance (1 of 4 stars; one submission).

Conditions:
Primary ciliary dyskinesia 7. Also called: CILIARY DYSKINESIA, PRIMARY, 7, WITH OR WITHOUT SITUS INVERSUS. Identifiers: Orphanet 244, MedGen C2678473, MONDO:0012748, OMIM 611884.

Submission:

Broad Center for Mendelian Genomics, Broad Institute of MIT and Harvard
Classification: Uncertain significance for Primary ciliary dyskinesia 7. Last evaluated: 2025-02-20. Review status: criteria provided, single submitter. Criteria: ACMG Guidelines, 2015. Collection method: curation. Allele origin: germline. Inheritance: Autosomal recessive inheritance.
Comment: The c.13546_*5del variant in DNAH11 has been reported in 1 individual with primary ciliary dyskinesia (PMID: 34210339), and has been identified in 0.0003% (3/1175362) of European (non-Finnish) chromosomes by the Genome Aggregation Database (gnomAD; dbSNP rs757531242). Although this variant has been seen in the general population in a heterozygous state, its frequency is low enough to be consistent with a recessive carrier frequency. This variant is a deletion of 11 bases at position 4515, including the stop codon It is unclear if this deletion will impact the protein. In summary, the clinical significance of the c.13546_*5del variant is uncertain. ACMG/AMP Criteria applied: PVS1_moderate, PM2_supporting (Richards 2015).

NM_018719.5(CDCA7L):c.*1065_*1075del

Genes: DNAH11 (dynein axonemal heavy chain 11; plus strand), CDCA7L (cell division cycle associated 7 like; minus strand). Cytogenetic location: 7p15.3.
Variant type: Deletion.
Coding change: c.*1065_*1075del on transcript NM_018719.5 (MANE Select); 1065 bases downstream of the stop codon through 1075 bases downstream of the stop codon, 11 bases deleted (ACCTTACGCTT).
Molecular consequence: 3 prime UTR variant. On other transcripts: frameshift variant (1).
Genome position (GRCh38, 1-based): chr7:21,901,247-21,901,257, AAGCGTAAGGT deleted on the plus strand (ACCTTACGCTT on the coding strand, the reverse complement: CDCA7L is on the minus strand); deleting any 11 consecutive bases within chr7:21,901,247-21,901,259 gives the same sequence; the c. name uses the placement nearest the transcript's 3' end. VCF-style (leftmost placement, unchanged base first): chr7-21901246-GAAGCGTAAGGT-G. GRCh37 (hg19) VCF-style: chr7-21940864-GAAGCGTAAGGT-G.
Other names: NM_001127371.3:c.*1065_*1075del; c.*1065_*1075del (NM_001127370.3, NM_001127371.3); c.13546_*5del, p.Ala4516fs (NM_001277115.2); short protein forms A4516fs.
Identifiers: ClinVar variation 3776955 (VCV003776955.1).
Genomic context (GRCh38, chr7:21,901,246, plus strand): 5'-AGGCTGAAGAGCGAAGAGAAGACTGCAAAATGGGTTCTGGCTGGAGTGGCTCTGCTTCTA[GAAGCGTAAGGT>G]AACACTGGCATTCCTCTAGCCTCTGCTGGAGTGCAGTGAGGATTTTCTAGCATGTTGCTG-3'